The following is an entry in ClinVar:

ClinVar aggregate classification (germline): Uncertain significance (1 of 4 stars; one submission).

Conditions:
Menkes kinky-hair syndrome (MNK). Also called: Classic Menkes Disease; Copper transport disease; Menkes Disease. Identifiers: Orphanet 565, MedGen C0022716, MONDO:0010651, OMIM 309400.
Cutis laxa, X-linked (OHS). Also called: EDS IX; Occipital horn syndrome. Identifiers: Orphanet 198, MedGen C0268353, MONDO:0010572, OMIM 304150.
X-linked distal spinal muscular atrophy type 3. Also called: ATP7A-Related Distal Motor Neuropathy; SPINAL MUSCULAR ATROPHY, DISTAL, X-LINKED RECESSIVE; NEURONOPATHY, DISTAL HEREDITARY MOTOR, X-LINKED; NEUROPATHY, DISTAL HEREDITARY MOTOR, X-LINKED. Identifiers: Orphanet 139557, MedGen C1845359, MONDO:0010338, OMIM 300489.

gnomAD v4.1: 1 of 1,211,670 alleles (0.000083%); highest among the groups gnomAD compares: Non-Finnish European, 0.00011%; no homozygotes.

Submission:

Labcorp Genetics (formerly Invitae), Labcorp
Classification: Uncertain significance for X-linked distal spinal muscular atrophy type 3; Cutis laxa, X-linked; Menkes kinky-hair syndrome. Last evaluated: 2025-03-16. Review status: criteria provided, single submitter. Criteria: Invitae Variant Classification Sherloc (09022015). Collection method: clinical testing. Allele origin: germline.
Comment: This sequence change replaces alanine, which is neutral and non-polar, with threonine, which is neutral and polar, at codon 279 of the ATP7A protein (p.Ala279Thr). This variant is not present in population databases (gnomAD no frequency). This variant has not been reported in the literature in individuals affected with ATP7A-related conditions. Invitae Evidence Modeling of protein sequence and biophysical properties (such as structural, functional, and spatial information, amino acid conservation, physicochemical variation, residue mobility, and thermodynamic stability) indicates that this missense variant is not expected to disrupt ATP7A protein function with a negative predictive value of 95%. In summary, the available evidence is currently insufficient to determine the role of this variant in disease. Therefore, it has been classified as a Variant of Uncertain Significance.

NM_000052.7(ATP7A):c.835G>A (p.Ala279Thr)

Gene: ATP7A (ATPase copper transporting alpha; plus strand). Cytogenetic location: Xq21.1.
Variant type: single nucleotide variant.
Coding change: c.835G>A on transcript NM_000052.7 (MANE Select); coding-DNA position 835, G replaced by A.
Protein change: p.Ala279Thr; replaces alanine 279 with threonine.
Molecular consequence: missense variant.
Genome position (GRCh38, 1-based): chrX:77,989,457, G>A. VCF-style: chrX-77989457-G-A. GRCh37 (hg19) VCF-style: chrX-77244953-G-A.
Other names: c.835G>A, p.Ala279Thr (NM_001282224.2); short protein forms A279T.
Identifiers: ClinVar variation 4792055 (VCV004792055.1).